The following is an entry in ClinVar:

NM_020937.4(FANCM):c.5864A>C (p.Lys1955Thr)

Gene: FANCM (FA complementation group M; plus strand). Cytogenetic location: 14q21.2.
Variant type: single nucleotide variant.
Coding change: c.5864A>C on transcript NM_020937.4 (MANE Select); coding-DNA position 5864, A replaced by C.
Protein change: p.Lys1955Thr; replaces lysine 1955 with threonine.
Molecular consequence: missense variant.
Genome position (GRCh38, 1-based): chr14:45,198,791, A>C. VCF-style: chr14-45198791-A-C. GRCh37 (hg19) VCF-style: chr14-45667994-A-C.
Other names: c.5786A>C, p.Lys1929Thr (NM_001308133.2); short protein forms K1955T, K1929T.
Identifiers: ClinVar variation 5000150 (VCV005000150.1).
Genomic context (GRCh38, chr14:45,198,791, plus strand): 5'-GTTCCTGCCAAGAAGAAACCGCAGATTTGCTAAAGGAACTGTCTTTAGTGGAACAAAGAA[A>C]GAATGTTGGTATTCATGTTCCAACAGTGGTGAATAGTAATAAAAGTGAGGCACTCCAGTT-3'
Protein context (NP_065988.1, residues 1945-1965): LKELSLVEQR[Lys1955Thr]NVGIHVPTVV

ClinVar aggregate classification (germline): Uncertain significance (1 of 4 stars; one submission).

Conditions:
FANCM-related disorder. Also called: FANCM-related condition.

Submission:

PreventionGenetics, part of Exact Sciences
Classification: Uncertain significance for FANCM-related condition. Last evaluated: 2025-07-12. Review status: criteria provided, single submitter. Criteria: ACMG Guidelines, 2015. Collection method: clinical testing. Allele origin: germline.
Comment: The FANCM c.5864A>C variant is predicted to result in the amino acid substitution p.Lys1955Thr. To our knowledge, this variant has not been reported in the literature or in a large population database (gnomAD), indicating this variant is rare. At this time, the clinical significance of this variant is uncertain due to the absence of conclusive functional and genetic evidence.